The following is an entry in ClinVar:

NM_000361.3(THBD):c.1371C>A (p.Asn457Lys)

Gene: THBD (thrombomodulin; minus strand). Cytogenetic location: 20p11.21.
Variant type: single nucleotide variant.
Coding change: c.1371C>A on transcript NM_000361.3 (MANE Select); coding-DNA position 1371, C replaced by A.
Protein change: p.Asn457Lys; replaces asparagine 457 with lysine.
Molecular consequence: missense variant.
Genome position (GRCh38, 1-based): chr20:23,048,134, G>T on the plus strand (C>A on the coding strand, the complement: THBD is on the minus strand). VCF-style: chr20-23048134-G-T. GRCh37 (hg19) VCF-style: chr20-23028771-G-T.
Other names: short protein forms N457K.
Identifiers: ClinVar variation 3692002 (VCV003692002.2).

ClinVar aggregate classification (germline): Uncertain significance (1 of 4 stars; one submission).

Submission:

Labcorp Genetics (formerly Invitae), Labcorp
Classification: Uncertain significance. Last evaluated: 2025-06-11. Review status: criteria provided, single submitter. Criteria: Invitae Variant Classification Sherloc (09022015). Collection method: clinical testing. Allele origin: germline.
Comment: This sequence change replaces asparagine, which is neutral and polar, with lysine, which is basic and polar, at codon 457 of the THBD protein (p.Asn457Lys). This variant is not present in population databases (gnomAD no frequency). This variant has not been reported in the literature in individuals affected with THBD-related conditions. ClinVar contains an entry for this variant (Variation ID: 3692002). Invitae Evidence Modeling of protein sequence and biophysical properties (such as structural, functional, and spatial information, amino acid conservation, physicochemical variation, residue mobility, and thermodynamic stability) indicates that this missense variant is expected to disrupt THBD protein function with a positive predictive value of 80%. In summary, the available evidence is currently insufficient to determine the role of this variant in disease. Therefore, it has been classified as a Variant of Uncertain Significance.